The following is an entry in ClinVar:

NM_001048174.2(MUTYH):c.1102+5del

Gene: MUTYH (mutY DNA glycosylase; minus strand). Cytogenetic location: 1p34.1.
Variant type: Deletion.
Coding change: c.1102+5del on transcript NM_001048174.2 (MANE Select); 5 bases into the intron after coding-DNA position 1102, one base deleted (C; older notation c.1102+5delC).
Molecular consequence: intron variant.
Genome position (GRCh38, 1-based): chr1:45,331,656, G deleted on the plus strand (C on the coding strand, the reverse complement: MUTYH is on the minus strand); the first of 2 consecutive G bases (chr1:45,331,656-45,331,657); deleting either gives the same sequence. VCF-style (leftmost placement, unchanged base first): chr1-45331655-AG-A. GRCh37 (hg19) VCF-style: chr1-45797327-AG-A.
Other names: c.1102+5del (NM_001407072.1, NM_001407073.1, NM_001048171.2 and 6 more transcripts); c.757+5del (NM_001350651.2, NM_001350650.2, NM_001407082.1); c.826+5del (NM_001293192.2, NM_001293196.2, NM_001407091.1); c.1147+5del (NM_001293190.2); c.1135+5del (NM_001407069.1, NM_001407077.1, NM_001293191.2); c.1177+5del (NM_012222.3); c.1186+5del (NM_001128425.2); c.1105+5del (NM_001407071.1, NM_001048172.2, NM_001407078.1 and 1 more transcripts); and 5 more.
Identifiers: ClinVar variation 3387078 (VCV003387078.1).

ClinVar aggregate classification (germline): Uncertain significance (1 of 4 stars; one submission).

Conditions:
Familial adenomatous polyposis 2. Also called: MUTYH Polyposis; COLORECTAL ADENOMATOUS POLYPOSIS, AUTOSOMAL RECESSIVE; ADENOMAS, MULTIPLE COLORECTAL, AUTOSOMAL RECESSIVE; MYH-associated polyposis; MUTYH-associated polyposis; MUTYH-related attenuated familial adenomatous polyposis. Identifiers: Orphanet 220460, Orphanet 247798, MedGen C3272841, MONDO:0012041, OMIM 608456.

Submission:

All of Us Research Program, National Institutes of Health
Classification: Uncertain significance for Familial adenomatous polyposis 2. Last evaluated: 2024-02-22. Review status: criteria provided, single submitter. Criteria: ACMG Guidelines, 2015. Collection method: clinical testing. Allele origin: germline. Inheritance: Autosomal recessive inheritance. Observed: 1 variant allele, 1 heterozygote.
Comment: This variant causes the deletion of one nucleotide at position +5 in intron 12/15 of the MUTYH gene. To our knowledge, RNA studies have not been reported for this variant. This variant has not been reported in individuals affected with MUTYH-related disorders in the literature. This variant has not been identified in the general population by the Genome Aggregation Database (gnomAD). The available evidence is insufficient to determine the role of this variant in disease conclusively. Therefore, this variant is classified as a Variant of Uncertain Significance.

This study involves interpretation of variants in research participants for the purpose of population health screening. Participant phenotype was not available at the time of variant classification. Additional details can be found in publication PMID: 35346344, PMCID: PMC8962531